The following is an entry in ClinVar:

NM_000059.4(BRCA2):c.5205dup (p.Gln1736fs)

Gene: BRCA2 (BRCA2 DNA repair associated; plus strand). Cytogenetic location: 13q13.1.
Variant type: Duplication.
Coding change: c.5205dup on transcript NM_000059.4 (MANE Select); coding-DNA position 5205, one base duplicated (A; older notation c.5205dupA).
Protein change: p.Gln1736fs; shifts the reading frame from glutamine 1736.
Molecular consequence: frameshift variant.
Genome position (GRCh38, 1-based): chr13:32,339,560, A duplicated; the last of 5 consecutive A bases (chr13:32,339,556-32,339,560); duplicating any one gives the same sequence. VCF-style (leftmost placement, unchanged base first): chr13-32339555-G-GA. GRCh37 (hg19) VCF-style: chr13-32913692-G-GA.
Other names: c.5205dupA (NM_000059.3); short protein forms Q1736fs.
Identifiers: ClinVar variation 479323 (VCV000479323.5), dbSNP rs483353082, ClinGen allele CA658656382.
Genomic context (GRCh38, chr13:32,339,555, plus strand): 5'-TATTTGTATGAAAATAATTCAAACAGTACTATAGCTGAAAATGACAAAAATCATCTCTCC[G>GA]AAAAACAAGATACTTATTTAAGTAACAGTAGCATGTCTAACAGCTATTCCTACCATTCTG-3'

ClinVar aggregate classification (germline): Pathogenic (1 of 4 stars; one submission).

Conditions:
Hereditary cancer-predisposing syndrome. Also called: Neoplastic Syndromes, Hereditary; Hereditary Cancer Syndrome; Hereditary neoplastic syndrome; Tumor predisposition. Identifiers: Orphanet 140162, MedGen C0027672, MeSH D009386, MONDO:0015356.

Submission:

Ambry Genetics
Classification: Pathogenic for Hereditary cancer-predisposing syndrome. Last evaluated: 2016-05-13. Review status: criteria provided, single submitter. Criteria: Ambry Variant Classification Scheme 2023. Collection method: clinical testing. Allele origin: germline.
Comment: The c.5205dupA pathogenic mutation, located in coding exon 10 of the BRCA2 gene, results from a duplication of A at nucleotide position 5205, causing a translational frameshift with a predicted alternate stop codon. Since frameshifts are typically deleterious in nature, this alteration is interpreted as a disease-causing mutation (ACMG Recommendations for Standards for Interpretation and Reporting of Sequence Variations. Revision 2007. Genet Med. 2008;10:294).